The following is an entry in ClinVar:

ClinVar aggregate classification (germline): Conflicting classifications of pathogenicity. Review status: criteria provided, conflicting classifications (1 of 4 stars). 3 submissions from 3 submitters: Pathogenic (1); Uncertain significance (1). 1 of the submissions does not count toward it. Last evaluated 2025-07-23.

Conditions:
Biotinidase deficiency. Also called: BTD deficiency; Late-onset biotin-responsive multiple carboxylase deficiency; Biotin deficiency. Identifiers: Orphanet 79241, MedGen C0220754, MONDO:0009665, OMIM 253260.

Allele frequency attached by ClinVar (database versions not stated): gnomAD 0.00001; TOPMed 0.00002; ESP Exome Variant Server 0.00008.
gnomAD v4.1: 2 of 1,614,000 alleles (0.00012%); highest among the groups gnomAD compares: Non-Finnish European, 0.00017%; no homozygotes.

Submissions (3):

Women's Health and Genetics/Laboratory Corporation of America, LabCorp
Classification: Uncertain significance. Last evaluated: 2025-07-23. Review status: criteria provided, single submitter. Criteria: LabCorp Variant Classification Summary - May 2015. Collection method: clinical testing. Allele origin: germline.
Comment: Variant summary: BTD c.875G>A (p.Gly292Asp) results in a non-conservative amino acid change located in the Carbon-nitrogen hydrolase domain profile (Carbon-nitrogen hydrolase domain profile) of the encoded protein sequence. Algorithms developed to predict the effect of missense changes on protein structure and function all suggest that this variant is likely to be disruptive. The variant was absent in 251388 control chromosomes. c.875G>A has been observed in individual(s) affected with Biotinidase Deficiency (Pomponio_1997, internal data). These data indicate that the variant may be associated with disease. To our knowledge, no experimental evidence demonstrating an impact on protein function has been reported. The following publications have been ascertained in the context of this evaluation (PMID: 9396567, 25087612). ClinVar contains an entry for this variant (Variation ID: 25055). Based on the evidence outlined above, the variant was classified as VUS-possibly pathogenic.

Labcorp Genetics (formerly Invitae), Labcorp
Classification: Pathogenic for Biotinidase deficiency. Last evaluated: 2020-12-09. Review status: criteria provided, single submitter. Criteria: Invitae Variant Classification Sherloc (09022015). Collection method: clinical testing. Allele origin: germline.
Comment: This sequence change replaces glycine with aspartic acid at codon 312 of the BTD protein (p.Gly312Asp). The glycine residue is highly conserved and there is a moderate physicochemical difference between glycine and aspartic acid. This variant is not present in population databases (ExAC no frequency). This variant has been observed in individual(s) with biotinidase deficiency (PMID: 9396567, Invitae). In at least one individual the data is consistent with the variant being in trans (on the opposite chromosome) from a pathogenic variant. ClinVar contains an entry for this variant (Variation ID: 25055). Algorithms developed to predict the effect of missense changes on protein structure and function (SIFT, PolyPhen-2, Align-GVGD) all suggest that this variant is likely to be disruptive, but these predictions have not been confirmed by published functional studies and their clinical significance is uncertain. For these reasons, this variant has been classified as Pathogenic. This variant disrupts the p.Gly312 amino acid residue in BTD. Other variant(s) that disrupt this residue have been observed in individuals with BTD-related conditions (PMID: 12359137), which suggests that this may be a clinically significant amino acid residue.

Counsyl
Classification: Uncertain significance for Biotinidase deficiency. Last evaluated: 2017-10-19. Review status: no assertion criteria provided. Collection method: clinical testing. Allele origin: unknown. Not counted in ClinVar's aggregate classification.

Literature cited by the submitters: PubMed 25087612 (cited by Women's Health and Genetics/Laboratory Corporation of America, LabCorp); PubMed 9396567 (cited by 3 submitters); PubMed 12359137 (cited by Labcorp Genetics (formerly Invitae), Labcorp).

NM_001370658.1(BTD):c.875G>A (p.Gly292Asp)

Gene: BTD (biotinidase; plus strand). Cytogenetic location: 3p25.1.
Variant type: single nucleotide variant.
Coding change: c.875G>A on transcript NM_001370658.1 (MANE Select); coding-DNA position 875, G replaced by A.
Protein change: p.Gly292Asp; replaces glycine 292 with aspartic acid.
Molecular consequence: missense variant. On other transcripts: intron variant (1).
Genome position (GRCh38, 1-based): chr3:15,644,791, G>A. VCF-style: chr3-15644791-G-A. GRCh37 (hg19) VCF-style: chr3-15686298-G-A.
Other names: c.935G>A, p.Gly312Asp (NM_000060.4); c.875G>A, p.Gly292Asp (NM_001281723.4, NM_001281724.3, NM_001281725.3 and 18 more transcripts); c.399+2734G>A (NM_001370753.1); short protein forms G292D.
Identifiers: ClinVar variation 25055 (VCV000025055.15), dbSNP rs377651057, ClinGen allele CA278285.